The following is an entry in ClinVar:

NM_004369.4(COL6A3):c.709+8C>T

Gene: COL6A3 (collagen type VI alpha 3 chain; minus strand). Cytogenetic location: 2q37.3.
Variant type: single nucleotide variant.
Coding change: c.709+8C>T on transcript NM_004369.4 (MANE Select); 8 bases into the intron after coding-DNA position 709, C replaced by T.
Molecular consequence: intron variant.
Genome position (GRCh38, 1-based): chr2:237,394,579, G>A on the plus strand (C>T on the coding strand, the complement: COL6A3 is on the minus strand). VCF-style: chr2-237394579-G-A. GRCh37 (hg19) VCF-style: chr2-238303222-G-A.
Other names: c.91+2148C>T (NM_057166.5, NM_057167.4, NM_057164.5 and 1 more transcripts).
Identifiers: ClinVar variation 288686 (VCV000288686.15), dbSNP rs779535244, ClinGen allele CA2189811.

ClinVar aggregate classification (germline): Conflicting classifications of pathogenicity. Review status: criteria provided, conflicting classifications (1 of 4 stars). 4 submissions from 4 submitters: Uncertain significance (3); Likely benign (1). Last evaluated 2025-12-17.

Conditions:
Dystonia 27 (DYT27). Identifiers: Orphanet 464440, MedGen C4225336, MONDO:0014627, OMIM 616411.
Ullrich congenital muscular dystrophy 1A. Also called: Intermediate COL6-RD; Ullrich congenital muscular dystrophy 1. Identifiers: Orphanet 75840, MedGen C0410179, MONDO:0009681, OMIM 254090.
Bethlem myopathy 1A. Also called: Bethlem Muscular Dystrophy; MYOPATHY, BENIGN CONGENITAL, WITH CONTRACTURES; Bethlem myopathy 1. Identifiers: Orphanet 610, MedGen CN029274, MONDO:0024530, OMIM 158810.

Allele frequency attached by ClinVar (database versions not stated): gnomAD 0.00001; ExAC 0.00002; TOPMed 0.00002; gnomAD exomes 0.00003.
gnomAD v4.1: 57 of 1,613,726 alleles (0.0035%); highest among the groups gnomAD compares: Non-Finnish European, 0.0044%; no homozygotes.

Submissions (4):

Labcorp Genetics (formerly Invitae), Labcorp
Classification: Likely benign for Bethlem myopathy 1A. Last evaluated: 2025-12-17. Review status: criteria provided, single submitter. Criteria: Invitae Variant Classification Sherloc (09022015). Collection method: clinical testing. Allele origin: germline.

Fulgent Genetics
Classification: Uncertain significance for Bethlem myopathy 1A; Ullrich congenital muscular dystrophy 1A; Dystonia 27. Last evaluated: 2018-10-31. Review status: criteria provided, single submitter. Criteria: ACMG Guidelines, 2015. Collection method: clinical testing. Allele origin: unknown.

Eurofins Ntd Llc (ga)
Classification: Uncertain significance. Last evaluated: 2018-06-15. Review status: criteria provided, single submitter. Criteria: EGL ClinVar v180209 classification definitions. Collection method: clinical testing. Allele origin: germline. Observed: 3 variant alleles, 3 heterozygotes.

GeneDx
Classification: Uncertain significance. Last evaluated: 2017-05-31. Review status: criteria provided, single submitter. Criteria: GeneDx Variant Classification (06012015). Collection method: clinical testing. Allele origin: germline. Affected: yes.
Comment: The c.709+8 C>T variant has not been published as a pathogenic variant, nor has it been reported as a benign variant to our knowledge. This variant is not observed at a significant frequency in large population cohorts (Lek et al., 2016; 1000 Genomes Consortium et al., 2015; Exome Variant Server). Multiple in-silico splice prediction models predict that c.709+8 C>T creates a cryptic splice donor site which may supplant the natural donor site and lead to abnormal gene splicing. However, in the absence of RNA/functional studies the actual effect of c.709+8 C>T on splicing in this individual is unknown.